The following is an entry in ClinVar:

ClinVar aggregate classification (germline): Conflicting classifications of pathogenicity. Review status: criteria provided, conflicting classifications (1 of 4 stars). 3 submissions from 3 submitters: Uncertain significance (1); Likely benign (2). Last evaluated 2024-07-12.

Conditions:
Inborn genetic diseases. Identifiers: MedGen C0950123, MeSH D030342.

Allele frequency attached by ClinVar (database versions not stated): TOPMed below 0.00001; ExAC 0.00001; gnomAD 0.00001; ESP Exome Variant Server 0.00008.
gnomAD v4.1: 19 of 1,614,098 alleles (0.0012%); highest among the groups gnomAD compares: Non-Finnish European, 0.0016%; no homozygotes.

Submissions (3):

Labcorp Genetics (formerly Invitae), Labcorp
Classification: Likely benign. Last evaluated: 2024-07-12. Review status: criteria provided, single submitter. Criteria: Invitae Variant Classification Sherloc (09022015). Collection method: clinical testing. Allele origin: germline.

Blueprint Genetics
Classification: Likely benign. Last evaluated: 2024-07-08. Review status: criteria provided, single submitter. Criteria: ACMG Guidelines, 2015. Collection method: clinical testing. Allele origin: germline.

Ambry Genetics
Classification: Uncertain significance for Inborn genetic diseases. Last evaluated: 2021-11-01. Review status: criteria provided, single submitter. Criteria: Ambry Variant Classification Scheme 2023. Collection method: clinical testing. Allele origin: germline.
Comment: The c.50-6C>T intronic alteration consists of a C to T substitution 6 nucleotides before coding exon 2 in the TUBG1 gene. Based on insufficient or conflicting evidence, the clinical significance of this alteration remains unclear.

NM_001070.5(TUBG1):c.50-6C>T

Gene: TUBG1 (tubulin gamma 1; plus strand). Cytogenetic location: 17q21.2.
Variant type: single nucleotide variant.
Coding change: c.50-6C>T on transcript NM_001070.5 (MANE Select); 6 bases into the intron before coding-DNA position 50, C replaced by T.
Molecular consequence: intron variant.
Genome position (GRCh38, 1-based): chr17:42,610,102, C>T. VCF-style: chr17-42610102-C-T. GRCh37 (hg19) VCF-style: chr17-40762120-C-T.
Identifiers: ClinVar variation 2251604 (VCV002251604.5), dbSNP rs375730019, ClinGen allele CA8579749.